The following is an entry in ClinVar:

NM_001963.6(EGF):c.773G>A (p.Arg258His)

Gene: EGF (epidermal growth factor; plus strand). Cytogenetic location: 4q25.
Variant type: single nucleotide variant.
Coding change: c.773G>A on transcript NM_001963.6 (MANE Select); coding-DNA position 773, G replaced by A.
Protein change: p.Arg258His; replaces arginine 258 with histidine.
Molecular consequence: missense variant.
Genome position (GRCh38, 1-based): chr4:109,945,108, G>A. VCF-style: chr4-109945108-G-A. GRCh37 (hg19) VCF-style: chr4-110866264-G-A.
Other names: c.773G>A, p.Arg258His (NM_001178130.3, NM_001178131.3, NM_001357021.2); c.773G>A (NM_001963.5); short protein forms R258H.
Identifiers: ClinVar variation 2984586 (VCV002984586.4), dbSNP rs955232184, ClinGen allele CA103712730.
Genomic context (GRCh38, chr4:109,945,108, plus strand): 5'-TTTTTCTTTTGTGGTTGCTTTTTAGGCATAATTTGTTTGCAATGTCCCTTTTTGGTGACC[G>A]TATCTTCTATTCAACATGGAAAATGAAGACAATTTGGATAGCCAACAAACACACTGGAAA-3'
Protein context (NP_001954.2, residues 248-268): NLFAMSLFGD[Arg258His]IFYSTWKMKT

ClinVar aggregate classification (germline): Uncertain significance. Review status: criteria provided, multiple submitters, no conflicts (2 of 4 stars). 2 submissions from 2 submitters: Uncertain significance (2). Last evaluated 2026-08-20.

Conditions:
EGF-related disorder. Also called: EGF-related condition.

Allele frequency attached by ClinVar (database versions not stated): gnomAD 0.00001; gnomAD exomes 0.00001; TOPMed 0.00001.

Submissions (2):

PreventionGenetics, part of Exact Sciences
Classification: Uncertain significance for EGF-related condition. Last evaluated: 2026-08-20. Review status: criteria provided, single submitter. Criteria: ACMG Guidelines, 2015. Collection method: clinical testing. Allele origin: germline.
Comment: The EGF c.773G>A variant is predicted to result in the amino acid substitution p.Arg258His. To our knowledge, this variant has not been reported in the literature or in a large population database (gnomAD), indicating this variant is rare. At this time, the clinical significance of this variant is uncertain due to the absence of conclusive functional and genetic evidence.

Labcorp Genetics (formerly Invitae), Labcorp
Classification: Uncertain significance. Last evaluated: 2023-08-16. Review status: criteria provided, single submitter. Criteria: Invitae Variant Classification Sherloc (09022015). Collection method: clinical testing. Allele origin: germline.
Comment: In summary, the available evidence is currently insufficient to determine the role of this variant in disease. Therefore, it has been classified as a Variant of Uncertain Significance. Algorithms developed to predict the effect of missense changes on protein structure and function output the following: SIFT: "Not Available"; PolyPhen-2: "Benign"; Align-GVGD: "Not Available". The histidine amino acid residue is found in multiple mammalian species, which suggests that this missense change does not adversely affect protein function. This variant has not been reported in the literature in individuals affected with EGF-related conditions. This variant is not present in population databases (gnomAD no frequency). This sequence change replaces arginine, which is basic and polar, with histidine, which is basic and polar, at codon 258 of the EGF protein (p.Arg258His).